The following is an entry in ClinVar:

NM_004369.4(COL6A3):c.8498G>A (p.Arg2833Lys)

Gene: COL6A3 (collagen type VI alpha 3 chain; minus strand). Cytogenetic location: 2q37.3.
Variant type: single nucleotide variant.
Coding change: c.8498G>A on transcript NM_004369.4 (MANE Select); coding-DNA position 8498, G replaced by A.
Protein change: p.Arg2833Lys; replaces arginine 2833 with lysine.
Molecular consequence: missense variant.
Genome position (GRCh38, 1-based): chr2:237,339,084, C>T on the plus strand (G>A on the coding strand, the complement: COL6A3 is on the minus strand). VCF-style: chr2-237339084-C-T. GRCh37 (hg19) VCF-style: chr2-238247727-C-T.
Other names: c.6677G>A, p.Arg2226Lys (NM_057166.5); c.7880G>A, p.Arg2627Lys (NM_057167.4); short protein forms R2833K, R2627K, R2226K.
Identifiers: ClinVar variation 497826 (VCV000497826.8), dbSNP rs755510736, ClinGen allele CA2187519.

ClinVar aggregate classification (germline): Uncertain significance. Review status: criteria provided, multiple submitters, no conflicts (2 of 4 stars). 2 submissions from 2 submitters: Uncertain significance (2). Last evaluated 2024-03-18.

Conditions:
Bethlem myopathy 1A. Also called: Bethlem Muscular Dystrophy; MYOPATHY, BENIGN CONGENITAL, WITH CONTRACTURES; Bethlem myopathy 1. Identifiers: Orphanet 610, MedGen CN029274, MONDO:0024530, OMIM 158810.

Allele frequency attached by ClinVar (database versions not stated): gnomAD exomes below 0.00001 and 0.00001; gnomAD 0.00001; ExAC 0.00002; TOPMed 0.00002.
gnomAD v4.1: 4 of 1,613,866 alleles (0.00025%); highest among the groups gnomAD compares: Non-Finnish European, 0.00034%; no homozygotes.

Submissions (2):

Labcorp Genetics (formerly Invitae), Labcorp
Classification: Uncertain significance for Bethlem myopathy 1A. Last evaluated: 2024-03-18. Review status: criteria provided, single submitter. Criteria: Invitae Variant Classification Sherloc (09022015). Collection method: clinical testing. Allele origin: germline.
Comment: This sequence change replaces arginine, which is basic and polar, with lysine, which is basic and polar, at codon 2833 of the COL6A3 protein (p.Arg2833Lys). This variant is present in population databases (rs755510736, gnomAD 0.003%). This variant has not been reported in the literature in individuals affected with COL6A3-related conditions. ClinVar contains an entry for this variant (Variation ID: 497826). Advanced modeling of protein sequence and biophysical properties (such as structural, functional, and spatial information, amino acid conservation, physicochemical variation, residue mobility, and thermodynamic stability) performed at Invitae indicates that this missense variant is expected to disrupt COL6A3 protein function with a positive predictive value of 80%. In summary, the available evidence is currently insufficient to determine the role of this variant in disease. Therefore, it has been classified as a Variant of Uncertain Significance.

Eurofins Ntd Llc (ga)
Classification: Uncertain significance. Last evaluated: 2016-10-19. Review status: criteria provided, single submitter. Criteria: EGL Classification Definitions 2015. Collection method: clinical testing. Allele origin: germline. Observed: 1 variant allele, 1 heterozygote.